The following is an entry in ClinVar:

ClinVar aggregate classification (germline): Pathogenic/Likely pathogenic. Review status: criteria provided, multiple submitters, no conflicts (2 of 4 stars). 2 submissions from 2 submitters: Pathogenic (1); Likely pathogenic (1). Last evaluated 2017-08-02.

Conditions:
Congenital stationary night blindness. Also called: Early-onset non-progressive night blindness. Identifiers: Orphanet 215, MedGen C0339535, MONDO:0016293, HP:0007642.

Submissions (2):

Laboratory for Molecular Medicine, Mass General Brigham Personalized Medicine
Classification: Likely pathogenic for Congenital stationary night blindness. Last evaluated: 2017-08-02. Review status: criteria provided, single submitter. Criteria: LMM Criteria. Collection method: clinical testing. Allele origin: germline. Inheritance: Autosomal recessive inheritance. Observed: 1 variant allele.
Comment: The p.Gln267X (NM_001004334.2 c.799_803delinsTGATCTAC) (also referred to as c.79 9_803delCAGGTinsTGATCTAC p.Gln267_Leu602delinsTer) variant in GPR179 has not bee n previously reported in the literature, but has been reported in ClinVar as pat hogenic by one laboratory (Variation ID#286815). It is absent from large populat ion studies, though the ability of these studies to accurately detect indels may be limited. This deletion/insertion variant introduces a premature termination codon at position 267, which is predicted to lead to a truncated or absent prote in. Biallelic loss of function of the GPR179 gene has been associated with conge nital stationary night blindness. In summary, although additional studies are re quired to fully establish a null effect, this variant is likely pathogenic for c ongenital stationary night blindness in an autosomal recessive manner based upon its predicted impact on the protein.

Eurofins Ntd Llc (ga)
Classification: Pathogenic. Last evaluated: 2016-03-12. Review status: criteria provided, single submitter. Criteria: EGL Classification Definitions 2015. Collection method: clinical testing. Allele origin: germline. Observed: 2 variant alleles, 2 heterozygotes.

NC_000017.11:g.38339517_38339521delinsGTAGATCA

Gene: GPR179 (G protein-coupled receptor 179; minus strand). Cytogenetic location: 17q12.
Variant type: Indel.
Genome position: GRCh38 VCF-style: chr17-38339517-ACCTG-GTAGATCA. GRCh37 (hg19) VCF-style: chr17-36495400-ACCTG-GTAGATCA.
Other names: c.799_803delinsTGATCTAC, p.Gln267_Val268delinsTer (NM_001004334.4).
Identifiers: ClinVar variation 286815 (VCV000286815.8), dbSNP rs886043488, ClinGen allele CA10605578.